The following is an entry in ClinVar:

ClinVar aggregate classification (germline): Uncertain significance. Review status: criteria provided, multiple submitters, no conflicts (2 of 4 stars). 2 submissions from 2 submitters: Uncertain significance (2). Last evaluated 2023-09-08.

Conditions:
Kleefstra syndrome 1 (KLEFS1). Identifiers: Orphanet 261494, MedGen C0795833, MONDO:0027407, OMIM 610253.

Allele frequency attached by ClinVar (database versions not stated): gnomAD exomes below 0.00001.
gnomAD v4.1: 1 of 1,577,808 alleles (0.000063%); highest among the groups gnomAD compares: Non-Finnish European, 0.000086%; no homozygotes.

Submissions (2):

Blueprint Genetics
Classification: Uncertain significance. Last evaluated: 2023-09-08. Review status: criteria provided, single submitter. Criteria: ACMG Guidelines, 2015. Collection method: clinical testing. Allele origin: germline.

Labcorp Genetics (formerly Invitae), Labcorp
Classification: Uncertain significance for Kleefstra syndrome 1. Last evaluated: 2023-08-21. Review status: criteria provided, single submitter. Criteria: Invitae Variant Classification Sherloc (09022015). Collection method: clinical testing. Allele origin: germline.
Comment: In summary, the available evidence is currently insufficient to determine the role of this variant in disease. Therefore, it has been classified as a Variant of Uncertain Significance. An algorithm developed to predict the effect of missense changes on protein structure and function (PolyPhen-2) suggests that this variant is likely to be disruptive. This variant has not been reported in the literature in individuals affected with EHMT1-related conditions. This variant is not present in population databases (gnomAD no frequency). This sequence change replaces aspartic acid, which is acidic and polar, with valine, which is neutral and non-polar, at codon 35 of the EHMT1 protein (p.Asp35Val).

NM_024757.5(EHMT1):c.104A>T (p.Asp35Val)

Gene: EHMT1 (euchromatic histone lysine methyltransferase 1; plus strand). Cytogenetic location: 9q34.3.
Variant type: single nucleotide variant.
Coding change: c.104A>T on transcript NM_024757.5 (MANE Select); coding-DNA position 104, A replaced by T.
Protein change: p.Asp35Val; replaces aspartic acid 35 with valine.
Molecular consequence: missense variant.
Genome position (GRCh38, 1-based): chr9:137,716,644, A>T. VCF-style: chr9-137716644-A-T. GRCh37 (hg19) VCF-style: chr9-140611096-A-T.
Other names: c.104A>T, p.Asp35Val (NM_001145527.2, NM_001354263.2, NM_001354611.2); c.11A>T, p.Asp4Val (NM_001354259.2, NM_001354612.2); short protein forms D4V, D35V.
Identifiers: ClinVar variation 2753071 (VCV002753071.4), dbSNP rs2135500273, ClinGen allele CA375762150.